The following is an entry in ClinVar:

NM_004434.3(EML1):c.2220C>G (p.Thr740=)

Genes: EML1 (EMAP like 1; plus strand), LOC126862047 (BRD4-independent group 4 enhancer GRCh37_chr14:100405395-100406594; plus strand). Cytogenetic location: 14q32.2.
Variant type: single nucleotide variant.
Coding change: c.2220C>G on transcript NM_004434.3 (MANE Select); coding-DNA position 2220, C replaced by G.
Protein change: p.Thr740=; no amino-acid change (threonine 740 retained).
Molecular consequence: synonymous variant.
Genome position (GRCh38, 1-based): chr14:99,939,225, C>G. VCF-style: chr14-99939225-C-G. GRCh37 (hg19) VCF-style: chr14-100405562-C-G.
Other names: c.2277C>G, p.Thr759= (NM_001008707.2); c.2181C>G, p.Thr727= (NM_001375411.1); c.2088C>G, p.Thr696= (NM_001375412.1).
Identifiers: ClinVar variation 742466 (VCV000742466.12), dbSNP rs78181912, ClinGen allele CA7342892.

ClinVar aggregate classification (germline): Benign/Likely benign. Review status: criteria provided, multiple submitters, no conflicts (2 of 4 stars). 3 submissions from 3 submitters: Benign (1); Likely benign (1). 1 of the submissions does not count toward it. Last evaluated 2026-01-07.

Conditions:
EML1-related disorder. Also called: EML1-related condition.

Allele frequency attached by ClinVar (database versions not stated): 1000 Genomes Project 30x 0.00250; 1000 Genomes Project 0.00260; TOPMed 0.00286; ESP Exome Variant Server 0.00315.
gnomAD v4.1: 887 of 1,614,184 alleles (0.055%); highest among the groups gnomAD compares: African/African-American, 1%; 6 homozygotes.

Submissions (3):

Labcorp Genetics (formerly Invitae), Labcorp
Classification: Benign. Last evaluated: 2026-01-07. Review status: criteria provided, single submitter. Criteria: Invitae Variant Classification Sherloc (09022015). Collection method: clinical testing. Allele origin: germline.

Blueprint Genetics
Classification: Likely benign. Last evaluated: 2024-10-09. Review status: criteria provided, single submitter. Criteria: ACMG Guidelines, 2015. Collection method: clinical testing. Allele origin: germline.

PreventionGenetics, part of Exact Sciences
Classification: Benign for EML1-related condition. Last evaluated: 2024-06-15. Review status: no assertion criteria provided. Collection method: clinical testing. Allele origin: germline. Not counted in ClinVar's aggregate classification.
Comment: This variant is classified as benign based on ACMG/AMP sequence variant interpretation guidelines (Richards et al. 2015 PMID: 25741868, with internal and published modifications).